The following is an entry in ClinVar:

ClinVar aggregate classification (germline): Benign. Review status: criteria provided, multiple submitters, no conflicts (2 of 4 stars). 8 submissions from 8 submitters: Benign (8). Last evaluated 2026-01-28.

Conditions:
Charcot-Marie-Tooth disease. Also called: Charcot-Marie-Tooth Neuropathy; Charcot-Marie-Tooth Hereditary Neuropathy. Identifiers: Orphanet 166, MedGen C0007959, MONDO:0015626.
Charcot-Marie-Tooth disease type 4. Also called: Charcot-Marie-Tooth disease, type IV; Charcot-Marie-Tooth, Type 4. Identifiers: Orphanet 64749, MedGen C4082197, MONDO:0018995.
Charcot-Marie-Tooth disease type 4B2. Also called: Charcot-Marie-Tooth Neuropathy Type 4B2; CHARCOT-MARIE-TOOTH DISEASE, WITH FOCALLY FOLDED MYELIN SHEATHS, AUTOSOMAL RECESSIVE, TYPE 4B2; CMT 4B2; CHARCOT-MARIE-TOOTH DISEASE, DEMYELINATING, TYPE 4B2. Identifiers: Orphanet 99956, MedGen C1858278, MONDO:0011475, OMIM 604563.

Allele frequency attached by ClinVar (database versions not stated): gnomAD exomes 0.00173 and 0.00465; ExAC 0.00570; gnomAD 0.01518 and 0.01620; TOPMed 0.01764; ESP Exome Variant Server 0.01824; 1000 Genomes Project 30x 0.02046; 1000 Genomes Project 0.02077.
gnomAD v4.1: 4,957 of 1,613,772 alleles (0.31%); highest among the groups gnomAD compares: African/African-American, 5.5%; 126 homozygotes.

Submissions (8):

Labcorp Genetics (formerly Invitae), Labcorp
Classification: Benign for Charcot-Marie-Tooth disease type 4. Last evaluated: 2026-01-28. Review status: criteria provided, single submitter. Criteria: Invitae Variant Classification Sherloc (09022015). Collection method: clinical testing. Allele origin: germline.

Athena Diagnostics
Classification: Benign. Last evaluated: 2025-05-15. Review status: criteria provided, single submitter. Criteria: Athena Diagnostics Criteria. Collection method: clinical testing. Allele origin: unknown.
Comment: The frequency of this variant in the general population is higher than would generally be expected for pathogenic variants in this gene.

ARUP Laboratories, Molecular Genetics and Genomics, ARUP Laboratories
Classification: Benign for Charcot-Marie-Tooth disease type 4B2. Last evaluated: 2024-03-14. Review status: criteria provided, single submitter. Criteria: ARUP Molecular Germline Variant Investigation Process 2024. Collection method: clinical testing. Allele origin: germline.

Illumina Laboratory Services, Illumina
Classification: Benign for Charcot-Marie-Tooth disease type 4B2. Last evaluated: 2018-01-13. Review status: criteria provided, single submitter. Criteria: ICSL Variant Classification Criteria 13 December 2019. Collection method: clinical testing. Allele origin: germline.
Comment: This variant was observed in the ICSL laboratory as part of a predisposition screen in an ostensibly healthy population. It had not been previously curated by ICSL or reported in the Human Gene Mutation Database (HGMD: prior to June 1st, 2018), and was therefore a candidate for classification through an automated scoring system. Utilizing variant allele frequency, disease prevalence and penetrance estimates, and inheritance mode, an automated score was calculated to assess if this variant is too frequent to cause the disease. Based on the score and internal cut-off values, a variant classified as benign is not then subjected to further curation. The score for this variant resulted in a classification of benign for this disease.

Mayo Clinic Laboratories, Mayo Clinic
Classification: Benign. Last evaluated: 2017-05-05. Review status: criteria provided, single submitter. Criteria: ACMG Guidelines, 2015. Collection method: clinical testing. Allele origin: germline. Observed: 12 variant alleles.

GeneDx
Classification: Benign. Last evaluated: 2015-03-03. Review status: criteria provided, single submitter. Criteria: GeneDx Variant Classification Process June 2021. Collection method: clinical testing. Allele origin: germline. Affected: yes.

Breakthrough Genomics
Classification: Benign. Review status: criteria provided, single submitter. Criteria: ACMG Guidelines, 2015. Collection method: not provided. Allele origin: germline. Inheritance: Autosomal recessive inheritance. Affected: yes.

Molecular Genetics Laboratory, London Health Sciences Centre
Classification: Benign for Charcot-Marie-Tooth disease. Review status: criteria provided, single submitter. Criteria: ACMG Guidelines, 2015. Collection method: clinical testing. Allele origin: germline. Affected: yes.

NM_030962.4(SBF2):c.2850C>T (p.Ile950=)

Genes: SBF2 (SET binding factor 2; minus strand), LOC101928008 (uncharacterized LOC101928008; plus strand). Cytogenetic location: 11p15.4.
Variant type: single nucleotide variant.
Coding change: c.2850C>T on transcript NM_030962.4 (MANE Select); coding-DNA position 2850, C replaced by T.
Protein change: p.Ile950=; no amino-acid change (isoleucine 950 retained).
Molecular consequence: synonymous variant.
Genome position (GRCh38, 1-based): chr11:9,847,040, G>A on the plus strand (C>T on the coding strand, the complement: SBF2 is on the minus strand). VCF-style: chr11-9847040-G-A. GRCh37 (hg19) VCF-style: chr11-9868587-G-A.
Other names: p.Ile950=; c.2850C>T, p.Ile950= (NM_001386339.1); c.2721C>T, p.Ile907= (NM_001386342.1).
Identifiers: ClinVar variation 306592 (VCV000306592.27), dbSNP rs74642088, ClinGen allele CA5881427.